The following is an entry in ClinVar:

NM_000135.4(FANCA):c.81G>A (p.Ala27=)

Gene: FANCA (FA complementation group A; minus strand). Cytogenetic location: 16q24.3.
Variant type: single nucleotide variant.
Coding change: c.81G>A on transcript NM_000135.4 (MANE Select); coding-DNA position 81, G replaced by A.
Protein change: p.Ala27=; no amino-acid change (alanine 27 retained).
Molecular consequence: synonymous variant.
Genome position (GRCh38, 1-based): chr16:89,815,985, C>T on the plus strand (G>A on the coding strand, the complement: FANCA is on the minus strand). VCF-style: chr16-89815985-C-T. GRCh37 (hg19) VCF-style: chr16-89882393-C-T.
Other names: c.81G>A (LRG_495t1); c.81G>A, p.Ala27= (NM_001018112.3, NM_001286167.3, NM_001351830.2).
Identifiers: ClinVar variation 408190 (VCV000408190.12), dbSNP rs150247726, ClinGen allele CA8253184.

ClinVar aggregate classification (germline): Uncertain significance. Review status: criteria provided, multiple submitters, no conflicts (2 of 4 stars). 4 submissions from 4 submitters: Uncertain significance (3). 1 of the submissions does not count toward it. Last evaluated 2025-10-08.

Conditions:
Fanconi anemia (FA). Also called: Fanconi's anemia. Identifiers: Orphanet 84, MedGen C0015625, MeSH D005199, MONDO:0019391.
Fanconi anemia complementation group A (FANCA). Also called: FANCA-Related Fanconi Anemia; Fanconi anemia, group A. Identifiers: Orphanet 84, MedGen C3469521, MONDO:0009215, OMIM 227650.

Allele frequency attached by ClinVar (database versions not stated): gnomAD 0.00003; TOPMed 0.00003; gnomAD exomes 0.00004; ExAC 0.00005; ESP Exome Variant Server 0.00008.
gnomAD v4.1: 42 of 1,611,896 alleles (0.0026%); highest among the groups gnomAD compares: Non-Finnish European, 0.0031%; no homozygotes.

Submissions (4):

Labcorp Genetics (formerly Invitae), Labcorp
Classification: Uncertain significance for Fanconi anemia. Last evaluated: 2025-10-08. Review status: criteria provided, single submitter. Criteria: Invitae Variant Classification Sherloc (09022015). Collection method: clinical testing. Allele origin: germline.
Comment: This sequence change affects codon 27 of the FANCA mRNA. It is a 'silent' change, meaning that it does not change the encoded amino acid sequence of the FANCA protein. This variant is present in population databases (rs150247726, gnomAD 0.008%). This variant has not been reported in the literature in individuals affected with FANCA-related conditions. ClinVar contains an entry for this variant (Variation ID: 408190). Algorithms developed to predict the effect of sequence changes on RNA splicing suggest that this variant may create or strengthen a splice site. In summary, the available evidence is currently insufficient to determine the role of this variant in disease. Therefore, it has been classified as a Variant of Uncertain Significance.

Fulgent Genetics
Classification: Uncertain significance for Fanconi anemia complementation group A. Last evaluated: 2024-06-15. Review status: criteria provided, single submitter. Criteria: ACMG Guidelines, 2015. Collection method: clinical testing. Allele origin: germline.

Institute for Clinical Genetics, University Hospital TU Dresden, University Hospital TU Dresden
Classification: Uncertain significance. Last evaluated: 2021-11-03. Review status: criteria provided, single submitter. Criteria: ACMG Guidelines, 2015. Collection method: clinical testing. Allele origin: germline.

Natera, Inc.
Classification: Uncertain significance for Fanconi anemia. Last evaluated: 2019-10-28. Review status: no assertion criteria provided. Collection method: clinical testing. Allele origin: germline. Not counted in ClinVar's aggregate classification.